The following is an entry in ClinVar:

ClinVar aggregate classification (germline): Uncertain significance (1 of 4 stars; one submission).

Conditions:
Hermansky-Pudlak syndrome 2 (HPS2). Also called: Platelet defects and oculocutaneous albinism. Identifiers: Orphanet 183678, Orphanet 79430, MedGen C1842362, MONDO:0011997, OMIM 608233.

gnomAD v4.1: 2 of 1,609,122 alleles (0.00012%); highest among the groups gnomAD compares: South Asian, 0.0022%; no homozygotes.

Submission:

Labcorp Genetics (formerly Invitae), Labcorp
Classification: Uncertain significance for Hermansky-Pudlak syndrome 2. Last evaluated: 2021-05-18. Review status: criteria provided, single submitter. Criteria: Invitae Variant Classification Sherloc (09022015). Collection method: clinical testing. Allele origin: germline.
Comment: Algorithms developed to predict the effect of missense changes on protein structure and function output the following: SIFT: "Tolerated"; PolyPhen-2: "Benign"; Align-GVGD: "Class C0". The threonine amino acid residue is found in multiple mammalian species, suggesting that this missense change does not adversely affect protein function. These predictions have not been confirmed by published functional studies and their clinical significance is uncertain. This variant has not been reported in the literature in individuals with AP3B1-related conditions. This variant is not present in population databases (ExAC no frequency). This sequence change replaces isoleucine with threonine at codon 775 of the AP3B1 protein (p.Ile775Thr). The isoleucine residue is weakly conserved and there is a moderate physicochemical difference between isoleucine and threonine. In summary, the available evidence is currently insufficient to determine the role of this variant in disease. Therefore, it has been classified as a Variant of Uncertain Significance.

NM_003664.5(AP3B1):c.2324T>C (p.Ile775Thr)

Gene: AP3B1 (adaptor related protein complex 3 subunit beta 1; minus strand). Cytogenetic location: 5q14.1.
Variant type: single nucleotide variant.
Coding change: c.2324T>C on transcript NM_003664.5 (MANE Select); coding-DNA position 2324, T replaced by C.
Protein change: p.Ile775Thr; replaces isoleucine 775 with threonine.
Molecular consequence: missense variant.
Genome position (GRCh38, 1-based): chr5:78,110,280, A>G on the plus strand (T>C on the coding strand, the complement: AP3B1 is on the minus strand). VCF-style: chr5-78110280-A-G. GRCh37 (hg19) VCF-style: chr5-77406104-A-G.
Other names: c.2177T>C, p.Ile726Thr (NM_001271769.2); short protein forms I726T, I775T.
Identifiers: ClinVar variation 1491940 (VCV001491940.8), dbSNP rs62001050, ClinGen allele CA360182942.